The following is an entry in ClinVar:

ClinVar aggregate classification (germline): Uncertain significance (1 of 4 stars; one submission).

Allele frequency attached by ClinVar (database versions not stated): gnomAD 0.00001; gnomAD exomes 0.00001; TOPMed 0.00001.
gnomAD v4.1: 14 of 1,550,508 alleles (0.0009%); highest among the groups gnomAD compares: Admixed American, 0.002%; 1 homozygote.

Submission:

GeneDx
Classification: Uncertain significance. Last evaluated: 2025-06-20. Review status: criteria provided, single submitter. Criteria: GeneDx Variant Classification Process June 2021. Collection method: clinical testing. Allele origin: germline.
Comment: Not observed at significant frequency in large population cohorts (gnomAD); In silico analysis supports that this missense variant has a deleterious effect on protein structure/function; Has not been previously published as pathogenic or benign to our knowledge

NM_001163809.2(WDR81):c.2869A>T (p.Asn957Tyr)

Gene: WDR81 (WD repeat domain 81; plus strand). Cytogenetic location: 17p13.3.
Variant type: single nucleotide variant.
Coding change: c.2869A>T on transcript NM_001163809.2 (MANE Select); coding-DNA position 2869, A replaced by T.
Protein change: p.Asn957Tyr; replaces asparagine 957 with tyrosine.
Molecular consequence: missense variant. On other transcripts: intron variant (3).
Genome position (GRCh38, 1-based): chr17:1,727,828, A>T. VCF-style: chr17-1727828-A-T. GRCh37 (hg19) VCF-style: chr17-1631122-A-T.
Other names: c.-123-162A>T (NM_152348.4); c.59-2552A>T (NM_001163673.2); c.-14-2552A>T (NM_001163811.2); short protein forms N957Y.
Identifiers: ClinVar variation 2499367 (VCV002499367.2), dbSNP rs943017097, ClinGen allele CA286873496.